The following is an entry in ClinVar:

NM_001305581.2(LRMDA):c.367_368delinsAT (p.Glu123Ile)

Gene: LRMDA (leucine rich melanocyte differentiation associated; plus strand). Cytogenetic location: 10q22.3.
Variant type: Indel.
Coding change: c.367_368delinsAT on transcript NM_001305581.2 (MANE Select); coding-DNA positions 367 to 368, GA replaced by AT.
Protein change: p.Glu123Ile; replaces glutamic acid 123 with isoleucine.
Molecular consequence: missense variant. On other transcripts: non-coding transcript variant (1).
Genome position (GRCh38, 1-based): chr10:76,047,272-76,047,273, GA replaced by AT. VCF-style: chr10-76047272-GA-AT. GRCh37 (hg19) VCF-style: chr10-77807030-GA-AT.
Other names: c.283_284delinsAT, p.Glu95Ile (NM_032024.5); short protein forms E123I, E95I.
Identifiers: ClinVar variation 2015270 (VCV002015270.4), dbSNP rs2492796450, ClinGen allele CA2580081976.
Genomic context (GRCh38, chr10:76,047,272, plus strand): 5'-GCTCTGGAGTACCTCAGTCTGCTGGGCAACGTGGCCTGTCCCAACGAGCTGGTCAGCTTG[GA>AT]AAAGGATGAGGAAGACTACAAGAGATACAGGTGAGTGTCCAGGGGTTGGACCATGGTGGG-3'
Protein context (NP_001292510.1, residues 113-133): VACPNELVSL[Glu123Ile]KDEEDYKRYR

ClinVar aggregate classification (germline): Uncertain significance (1 of 4 stars; one submission).

Submission:

Labcorp Genetics (formerly Invitae), Labcorp
Classification: Uncertain significance. Last evaluated: 2025-04-28. Review status: criteria provided, single submitter. Criteria: Invitae Variant Classification Sherloc (09022015). Collection method: clinical testing. Allele origin: germline.
Comment: This sequence change replaces glutamic acid, which is acidic and polar, with isoleucine, which is neutral and non-polar, at codon 95 of the C10orf11 protein (p.Glu95Ile). Information on the frequency of this variant in the gnomAD database is not available, as this variant may be reported differently in the database. This variant has not been reported in the literature in individuals affected with C10orf11-related conditions. ClinVar contains an entry for this variant (Variation ID: 2015270). An algorithm developed to predict the effect of missense changes on protein structure and function (PolyPhen-2) suggests that this variant is likely to be disruptive. In summary, the available evidence is currently insufficient to determine the role of this variant in disease. Therefore, it has been classified as a Variant of Uncertain Significance.